The following is an entry in ClinVar:

NM_001171.6(ABCC6):c.2278C>T (p.Arg760Trp)

Gene: ABCC6 (ATP binding cassette subfamily C member 6; minus strand). Cytogenetic location: 16p13.11.
Variant type: single nucleotide variant.
Coding change: c.2278C>T on transcript NM_001171.6 (MANE Select); coding-DNA position 2278, C replaced by T.
Protein change: p.Arg760Trp; replaces arginine 760 with tryptophan.
Molecular consequence: missense variant. On other transcripts: non-coding transcript variant (1).
Genome position (GRCh38, 1-based): chr16:16,178,935, G>A on the plus strand (C>T on the coding strand, the complement: ABCC6 is on the minus strand). VCF-style: chr16-16178935-G-A. GRCh37 (hg19) VCF-style: chr16-16272792-G-A.
Other names: c.1936C>T, p.Arg646Trp (NM_001351800.1); short protein forms R760W, R646W.
Identifiers: ClinVar variation 433268 (VCV000433268.21), dbSNP rs72653788, ClinGen allele CA7925965.

ClinVar aggregate classification (germline): Pathogenic/Likely pathogenic. Review status: criteria provided, multiple submitters, no conflicts (2 of 4 stars). 11 submissions from 11 submitters: Pathogenic (9); Likely pathogenic (1). 1 of the submissions does not count toward it. Last evaluated 2026-04-20.

Conditions:
ABCC6-related disorder. Also called: ABCC6-related condition.
Autosomal recessive inherited pseudoxanthoma elasticum (PXE). Identifiers: Orphanet 758, MedGen CN032334, MONDO:0009925, OMIM 264800.
Pseudoxanthoma elasticum, forme fruste. Also called: PSEUDOXANTHOMA ELASTICUM, HETEROZYGOUS; Pseudoxanthoma Elasticum, Incomplete. Identifiers: Orphanet 758, MedGen C1867450, MONDO:0008333, OMIM 177850.
Arterial calcification, generalized, of infancy, 2. Identifiers: Orphanet 51608, MedGen C3276161, MONDO:0013768, OMIM 614473.

Allele frequency attached by ClinVar (database versions not stated): gnomAD exomes 0.00008 and 0.00003; 1000 Genomes Project 30x 0.00016; 1000 Genomes Project 0.00020; TOPMed 0.00003; ExAC 0.00004; gnomAD 0.00006.
gnomAD v4.1: 124 of 1,613,258 alleles (0.0077%); highest among the groups gnomAD compares: Middle Eastern, 0.035%; no homozygotes.

Submissions (11):

PreventionGenetics, part of Exact Sciences
Classification: Pathogenic for ABCC6-related condition. Last evaluated: 2026-04-20. Review status: criteria provided, single submitter. Criteria: ACMG Guidelines, 2015. Collection method: clinical testing. Allele origin: germline.
Comment: The ABCC6 c.2278C>T variant is predicted to result in the amino acid substitution p.Arg760Trp. This variant has been reported in the homozygous, compound heterozygous states, or along with a second causative ABCC6 variant in individuals with ABCC6-related disorders (for example, Li et al. 2013. PubMed ID: 24008425, Table S1, Saeidian et al. 2022. PubMed ID: 34906475; Table S1, Lin et al. 2024. PubMed ID: 38219857). In vitro functional and biochemical studies studies suggest that this variant impacts protein expression and folding (Ran et al. 2018. PubMed ID: 30154241). This variant is reported in 0.0063% of alleles in individuals of European (Non-Finnish) descent in gnomAD. An alternate nucleotide change affecting the same amino acid (p.Arg760Gln) has been reported in the compound heterozygous state in individuals with PXE (Vanakker et al. 2008. PubMed ID: 18157818; Table S1, Verschuere et al. 2021. PubMed ID: 32873932). The c.2278C>T (p.Arg760Trp) variant is interpreted as pathogenic.

3billion
Classification: Pathogenic for Autosomal recessive inherited pseudoxanthoma elasticum. Last evaluated: 2025-12-15. Review status: criteria provided, single submitter. Criteria: ACMG Guidelines, 2015. Collection method: clinical testing. Allele origin: germline. Affected: yes.
Comment: The variant is observed at an extremely low frequency in the gnomAD v4.1.0 dataset (total allele frequency: 0.008%). Predicted Consequence/Location: Missense variant In silico tool predictions suggest damaging effect of the variant on gene or gene product [REVEL: 0.88 (>=0.6, sensitivity 0.68 and specificity 0.92); 3Cnet: 0.99 (> 0.75, sensitivity 0.96 and precision 0.92)]. The same nucleotide change resulting in the same amino acid change has been previously reported as pathogenic/likely pathogenic with strong evidence (ClinVar ID: VCV000433268 /PMID: 15723264). The variant has been reported to be in trans with a pathogenic variant as either compound heterozygous or homozygous in at least one similarly affected unrelated individual (PMID: 15723264, 16086317). Different missense changes at the same codon (p.Arg760Gln, p.Arg760Pro) have been reported as pathogenic/likely pathogenic with strong evidence (ClinVar ID: VCV000433431, VCV003376887 /PMID: 18157818). Therefore, this variant is classified as Pathogenic according to the recommendation of ACMG/AMP guideline.

Labcorp Genetics (formerly Invitae), Labcorp
Classification: Pathogenic. Last evaluated: 2025-12-03. Review status: criteria provided, single submitter. Criteria: Invitae Variant Classification Sherloc (09022015). Collection method: clinical testing. Allele origin: germline.
Comment: This sequence change replaces arginine, which is basic and polar, with tryptophan, which is neutral and slightly polar, at codon 760 of the ABCC6 protein (p.Arg760Trp). This variant is present in population databases (rs72653788, gnomAD 0.006%). This missense change has been observed in individual(s) with pseudoxanthoma elasticum (PMID: 15723264, 16086317). In at least one individual the data is consistent with being in trans (on the opposite chromosome) from a pathogenic variant. ClinVar contains an entry for this variant (Variation ID: 433268). Invitae Evidence Modeling of protein sequence and biophysical properties (such as structural, functional, and spatial information, amino acid conservation, physicochemical variation, residue mobility, and thermodynamic stability) indicates that this missense variant is expected to disrupt ABCC6 protein function with a positive predictive value of 95%. Experimental studies have shown that this missense change affects ABCC6 function (PMID: 30154241). For these reasons, this variant has been classified as Pathogenic.

Revvity Omics, Revvity
Classification: Pathogenic. Last evaluated: 2025-03-30. Review status: criteria provided, single submitter. Criteria: ACMG Guidelines, 2015. Collection method: clinical testing. Allele origin: germline.

Variantyx, Inc.
Classification: Pathogenic for Autosomal recessive inherited pseudoxanthoma elasticum. Last evaluated: 2025-03-12. Review status: criteria provided, single submitter. Criteria: Variantyx Assertion Criteria 2022. Collection method: clinical testing. Allele origin: paternal.
Comment: This is a nonsynonymous variant in the ABCC6 gene (OMIM: 603234). Pathogenic variants in this gene have been associated with autosomal recessive pseudoxanthoma elasticum. This variant has been identified in the homozygous or compound heterozygous state in at least 5 individual(s) from the published literature (PMID: 16086317 , 24008425) (PM3). Functional studies have shown that this variant alters ABCC6 protein function (PMID: 30154241, 34906475 ) (PS3). Alternate amino acid change(s) at this position (p.Arg760Gln) have been previously reported in similarly affected individuals, which suggests that this residue is biologically important (PMID: 18157818) (PM5). Multiple computational algorithms predict a deleterious effect for this variant (REVEL score: 0.88) (PP3_Moderate). This variant has a 0.0095% maximum allele frequency in non-founder control populations (PM2_Supporting). Based on the current evidence, this variant is classified as pathogenic for autosomal recessive pseudoxanthoma elasticum.

Blueprint Genetics
Classification: Pathogenic for ABCC6-related disorders. Last evaluated: 2024-06-19. Review status: criteria provided, single submitter. Criteria: ACMG Guidelines, 2015. Collection method: clinical testing. Allele origin: germline. Affected: yes. Observed: 5 variant alleles.

Fulgent Genetics
Classification: Pathogenic for Pseudoxanthoma elasticum, forme fruste; Autosomal recessive inherited pseudoxanthoma elasticum; Arterial calcification, generalized, of infancy, 2. Last evaluated: 2024-01-05. Review status: criteria provided, single submitter. Criteria: ACMG Guidelines, 2015. Collection method: clinical testing. Allele origin: germline.

Clinical Genetics Laboratory, Skane University Hospital Lund
Classification: Pathogenic. Last evaluated: 2022-08-04. Review status: criteria provided, single submitter. Criteria: ACMG Guidelines, 2015. Collection method: clinical testing. Allele origin: germline. Affected: yes.

Mendelics
Classification: Likely pathogenic for Autosomal recessive inherited pseudoxanthoma elasticum. Last evaluated: 2019-05-28. Review status: criteria provided, single submitter. Criteria: Mendelics Assertion Criteria 2017. Collection method: clinical testing. Allele origin: unknown.

Kariminejad - Najmabadi Pathology & Genetics Center
Classification: Pathogenic for Autosomal recessive inherited pseudoxanthoma elasticum. Review status: criteria provided, single submitter. Criteria: ACMG Guidelines, 2015. Collection method: clinical testing. Allele origin: germline. Affected: no.

PXE International
Classification: Pathogenic for Autosomal recessive inherited pseudoxanthoma elasticum. Last evaluated: 2021-03-01. Review status: no assertion criteria provided. Collection method: research. Allele origin: germline. Inheritance: Autosomal recessive inheritance. Affected: yes. Observed: 5 variant alleles. Clinical features observed: Papule (HP:0200034), Skin plaque (HP:0200035), Retinal hemorrhage (HP:0000573), Intermittent claudication (HP:0004417), Abnormally lax or hyperextensible skin (HP:0008067), Weak or absent arterial pulse, Angina pectoris (HP:0001681), Abnormal EKG (HP:0003115). Not counted in ClinVar's aggregate classification.

Literature cited by the submitters: PubMed 15723264 (cited by 3billion and Labcorp Genetics (formerly Invitae), Labcorp); PubMed 16086317 (cited by 3billion and Labcorp Genetics (formerly Invitae), Labcorp); PubMed 18157818 (cited by 3billion); PubMed 30154241 (cited by Labcorp Genetics (formerly Invitae), Labcorp); PubMed 32873932 (cited by PXE International).